The following is an entry in ClinVar:

NM_017514.5(PLXNA3):c.5423C>T (p.Ala1808Val)

Gene: PLXNA3 (plexin A3; plus strand). Cytogenetic location: Xq28.
Variant type: single nucleotide variant.
Coding change: c.5423C>T on transcript NM_017514.5 (MANE Select); coding-DNA position 5423, C replaced by T.
Protein change: p.Ala1808Val; replaces alanine 1808 with valine.
Molecular consequence: missense variant.
Genome position (GRCh38, 1-based): chrX:154,471,541, C>T. VCF-style: chrX-154471541-C-T. GRCh37 (hg19) VCF-style: chrX-153699884-C-T.
Other names: short protein forms A1808V.
Identifiers: ClinVar variation 3036178 (VCV003036178.2), dbSNP rs1349241842, ClinGen allele CA415188653.

ClinVar aggregate classification (germline): Uncertain significance (0 of 4 stars; one submission).

Conditions:
PLXNA3-related disorder. Also called: PLXNA3-related condition.

Allele frequency attached by ClinVar (database versions not stated): gnomAD exomes 0.00001; gnomAD 0.00002; TOPMed 0.00002.
gnomAD v4.1: 17 of 1,207,605 alleles (0.0014%); highest among the groups gnomAD compares: South Asian, 0.0035%; no homozygotes.

Submission:

PreventionGenetics, part of Exact Sciences
Classification: Uncertain significance for PLXNA3-related condition. Last evaluated: 2024-02-21. Review status: no assertion criteria provided. Collection method: clinical testing. Allele origin: germline.
Comment: The PLXNA3 c.5423C>T variant is predicted to result in the amino acid substitution p.Ala1808Val. To our knowledge, this variant has not been reported in the literature. This variant is reported in 0.0012% of alleles in individuals of European (Non-Finnish) descent in gnomAD. At this time, the clinical significance of this variant is uncertain due to the absence of conclusive functional and genetic evidence.